The following is an entry in ClinVar:

ClinVar aggregate classification (germline): Uncertain significance (1 of 4 stars; one submission).

Submission:

GeneDx
Classification: Uncertain significance. Last evaluated: 2019-12-18. Review status: criteria provided, single submitter. Criteria: GeneDx Variant Classification Process June 2021. Collection method: clinical testing. Allele origin: germline. Affected: yes.
Comment: Not observed in large population cohorts (Lek et al., 2016); In silico analysis, which includes protein predictors and evolutionary conservation, supports that this variant does not alter protein structure/function; Has not been previously published as pathogenic or benign to our knowledge

NM_001365999.1(SZT2):c.2297T>C (p.Leu766Pro)

Gene: SZT2 (SZT2 subunit of KICSTOR complex; plus strand). Cytogenetic location: 1p34.2.
Variant type: single nucleotide variant.
Coding change: c.2297T>C on transcript NM_001365999.1 (MANE Select); coding-DNA position 2297, T replaced by C.
Protein change: p.Leu766Pro; replaces leucine 766 with proline.
Molecular consequence: missense variant.
Genome position (GRCh38, 1-based): chr1:43,424,258, T>C. VCF-style: chr1-43424258-T-C. GRCh37 (hg19) VCF-style: chr1-43889929-T-C.
Other names: c.2297T>C, p.Leu766Pro (NM_015284.4); short protein forms L766P.
Identifiers: ClinVar variation 1311322 (VCV001311322.2), dbSNP rs188397309, ClinGen allele CA340012265.